The following is an entry in ClinVar:

NM_001029883.3(PCARE):c.3140G>A (p.Arg1047Gln)

Gene: PCARE (photoreceptor cilium actin regulator; minus strand). Cytogenetic location: 2p23.2.
Variant type: single nucleotide variant.
Coding change: c.3140G>A on transcript NM_001029883.3 (MANE Select); coding-DNA position 3140, G replaced by A.
Protein change: p.Arg1047Gln; replaces arginine 1047 with glutamine.
Molecular consequence: missense variant.
Genome position (GRCh38, 1-based): chr2:29,071,122, C>T on the plus strand (G>A on the coding strand, the complement: PCARE is on the minus strand). VCF-style: chr2-29071122-C-T. GRCh37 (hg19) VCF-style: chr2-29293988-C-T.
Other names: short protein forms R1047Q.
Identifiers: ClinVar variation 858375 (VCV000858375.8), dbSNP rs759269733, ClinGen allele CA1592010.

ClinVar aggregate classification (germline): Uncertain significance. Review status: criteria provided, multiple submitters, no conflicts (2 of 4 stars). 2 submissions from 2 submitters: Uncertain significance (2). Last evaluated 2022-09-22.

Allele frequency attached by ClinVar (database versions not stated): gnomAD 0.00001; gnomAD exomes 0.00004 and 0.00008; TOPMed 0.00004; ExAC 0.00007.

Submissions (2):

Labcorp Genetics (formerly Invitae), Labcorp
Classification: Uncertain significance. Last evaluated: 2022-09-22. Review status: criteria provided, single submitter. Criteria: Invitae Variant Classification Sherloc (09022015). Collection method: clinical testing. Allele origin: germline.
Comment: This sequence change replaces arginine, which is basic and polar, with glutamine, which is neutral and polar, at codon 1047 of the PCARE protein (p.Arg1047Gln). This variant is present in population databases (rs759269733, gnomAD 0.03%). This variant has not been reported in the literature in individuals affected with PCARE-related conditions. ClinVar contains an entry for this variant (Variation ID: 858375). Algorithms developed to predict the effect of missense changes on protein structure and function output the following: SIFT: "Tolerated"; PolyPhen-2: "Benign"; Align-GVGD: "Class C0". The glutamine amino acid residue is found in multiple mammalian species, which suggests that this missense change does not adversely affect protein function. In summary, the available evidence is currently insufficient to determine the role of this variant in disease. Therefore, it has been classified as a Variant of Uncertain Significance.

Blueprint Genetics
Classification: Uncertain significance. Last evaluated: 2021-10-13. Review status: criteria provided, single submitter. Criteria: ACMG Guidelines, 2015. Collection method: clinical testing. Allele origin: germline.